The following is an entry in ClinVar:

ClinVar aggregate classification (germline): Likely benign (1 of 4 stars; one submission).

Conditions:
PLXNA4-related disorder. Also called: PLXNA4-related condition.

gnomAD v4.1: 1 of 1,614,228 alleles (0.000062%); highest among the groups gnomAD compares: African/African-American, 0.0013%; no homozygotes.

Submission:

PreventionGenetics, part of Exact Sciences
Classification: Likely benign for PLXNA4-related condition. Last evaluated: 2025-10-20. Review status: criteria provided, single submitter. Criteria: ACMG Guidelines, 2015. Collection method: clinical testing. Allele origin: germline.
Comment: This variant is classified as likely benign based on ACMG/AMP sequence variant interpretation guidelines (Richards et al. 2015 PMID: 25741868, with internal and published modifications).

NM_020911.2(PLXNA4):c.2631T>C (p.Thr877=)

Gene: PLXNA4 (plexin A4; minus strand). Cytogenetic location: 7q32.3.
Variant type: single nucleotide variant.
Coding change: c.2631T>C on transcript NM_020911.2 (MANE Select); coding-DNA position 2631, T replaced by C.
Protein change: p.Thr877=; no amino-acid change (threonine 877 retained).
Molecular consequence: synonymous variant.
Genome position (GRCh38, 1-based): chr7:132,198,592, A>G on the plus strand (T>C on the coding strand, the complement: PLXNA4 is on the minus strand). VCF-style: chr7-132198592-A-G. GRCh37 (hg19) VCF-style: chr7-131883351-A-G.
Other names: c.2631T>C, p.Thr877= (NM_001393897.1).
Identifiers: ClinVar variation 4996955 (VCV004996955.1).